The following is an entry in ClinVar:

ClinVar aggregate classification (germline): Conflicting classifications of pathogenicity. Review status: criteria provided, conflicting classifications (1 of 4 stars). 5 submissions from 4 submitters: Uncertain significance (3); Likely benign (2). Last evaluated 2026-01-05.

Conditions:
Hereditary cancer-predisposing syndrome. Also called: Hereditary Cancer Syndrome; Hereditary neoplastic syndrome; Tumor predisposition; Neoplastic Syndromes, Hereditary. Identifiers: Orphanet 140162, MedGen C0027672, MeSH D009386, MONDO:0015356.
Fanconi anemia complementation group D1. Also called: BRCA2-Related Fanconi Anemia. Identifiers: Orphanet 319462, MedGen C1838457, MONDO:0011584, OMIM 605724.
Breast-ovarian cancer, familial, susceptibility to, 2 (BROVCA2). Also called: BRCA2 Hereditary Breast and Ovarian Cancer. Identifiers: Orphanet 145, MedGen C2675520, MONDO:0012933, OMIM 612555. Disease mechanism: loss of function.
Hereditary breast ovarian cancer syndrome. Also called: Hereditary breast and ovarian cancer syndrome; BRCA1- and BRCA2-Associated Hereditary Breast and Ovarian Cancer; Hereditary breast and ovarian cancer syndrome (HBOC); Hereditary breast and/or ovarian cancer syndrome; Hereditary breast and ovarian cancer; Breast and ovarian cancer. Identifiers: Orphanet 145, MedGen C0677776, MeSH D061325, MONDO:0003582. Disease mechanism: loss of function.

Allele frequency attached by ClinVar (database versions not stated): gnomAD 0.00001.

Submissions (5):

Labcorp Genetics (formerly Invitae), Labcorp
Classification: Likely benign for Hereditary breast ovarian cancer syndrome. Last evaluated: 2026-01-05. Review status: criteria provided, single submitter. Criteria: Invitae Variant Classification Sherloc (09022015). Collection method: clinical testing. Allele origin: germline.

Color Diagnostics, LLC DBA Color Health
Classification: Likely benign for Hereditary cancer-predisposing syndrome. Last evaluated: 2025-02-18. Review status: criteria provided, single submitter. Criteria: ACMG Guidelines, 2015. Collection method: clinical testing. Allele origin: germline.

Quest Diagnostics Nichols Institute San Juan Capistrano
Classification: Uncertain significance. Last evaluated: 2024-10-30. Review status: criteria provided, single submitter. Criteria: Quest Diagnostics criteria. Collection method: clinical testing. Allele origin: unknown.
Comment: The BRCA2 c.-40+7G>T variant has been reported in the published literature in individuals affected with breast cancer (PMID: 30204945 (2018)). The frequency of this variant in the general population, 0.000013 (2/152238 chromosomes (Genome Aggregation Database)), is uninformative in the assessment of its pathogenicity. Analysis of this variant using software algorithms for the prediction of the effect of nucleotide changes on splicing yielded predictions that this variant does not affect BRCA2 mRNA splicing. Based on the available information, we are unable to determine the clinical significance of this variant.

Illumina Laboratory Services, Illumina
Classification: Uncertain significance for Fanconi anemia complementation group D1. Last evaluated: 2018-03-23. Review status: criteria provided, single submitter. Criteria: ICSL Variant Classification Criteria 13 December 2019. Collection method: clinical testing. Allele origin: germline.

Illumina Laboratory Services, Illumina
Classification: Uncertain significance for Breast-ovarian cancer, familial, susceptibility to, 2. Last evaluated: 2018-03-23. Review status: criteria provided, single submitter. Criteria: ICSL Variant Classification Criteria 13 December 2019. Collection method: clinical testing. Allele origin: germline.

Literature cited by the submitters: PubMed 30204945 (cited by Quest Diagnostics Nichols Institute San Juan Capistrano).

NM_000059.4(BRCA2):c.-40+7G>T

Genes: BRCA2 (BRCA2 DNA repair associated; plus strand), LOC106721785 (BRCA2 promoter/silencer region; plus strand). Cytogenetic location: 13q13.1.
Variant type: single nucleotide variant.
Coding change: c.-40+7G>T on transcript NM_000059.4 (MANE Select); 7 bases into the intron after 40 bases upstream of the start codon, G replaced by T.
Molecular consequence: intron variant.
Genome position (GRCh38, 1-based): chr13:32,315,674, G>T. VCF-style: chr13-32315674-G-T. GRCh37 (hg19) VCF-style: chr13-32889811-G-T.
Identifiers: ClinVar variation 438975 (VCV000438975.20), dbSNP rs1555279969, ClinGen allele CA645509353.